The following is an entry in ClinVar:

ClinVar aggregate classification (germline): Uncertain significance. Review status: criteria provided, multiple submitters, no conflicts (2 of 4 stars). 8 submissions from 8 submitters: Uncertain significance (7). 1 of the submissions does not count toward it. Last evaluated 2025-08-31.

Conditions:
Hereditary cancer-predisposing syndrome. Also called: Neoplastic Syndromes, Hereditary; Hereditary Cancer Syndrome; Tumor predisposition; Hereditary neoplastic syndrome. Identifiers: Orphanet 140162, MedGen C0027672, MeSH D009386, MONDO:0015356.
Familial cancer of breast. Also called: Hereditary breast cancer; BREAST CANCER, FAMILIAL; hereditary breast carcinoma. Identifiers: Orphanet 227535, MedGen C0346153, MONDO:0016419, OMIM 114480. Disease mechanism: loss of function.
Ataxia-telangiectasia syndrome (AT). Also called: LOUIS-BAR SYNDROME; Cerebello-oculocutaneous telangiectasia; Immunodeficiency with ataxia telangiectasia; Ataxia-telangiectasia, complementation group D; AT, COMPLEMENTATION GROUP C; Ataxia-telangiectasia, complementation group E. Identifiers: Orphanet 100, MedGen C0004135, MONDO:0008840, OMIM 208900.

Allele frequency attached by ClinVar (database versions not stated): gnomAD exomes 0.00001; ExAC 0.00001.
gnomAD v4.1: 12 of 1,613,662 alleles (0.00074%); highest among the groups gnomAD compares: Admixed American, 0.005%; no homozygotes.

Submissions (8):

Labcorp Genetics (formerly Invitae), Labcorp
Classification: Uncertain significance for Ataxia-telangiectasia syndrome. Last evaluated: 2025-08-31. Review status: criteria provided, single submitter. Criteria: Invitae Variant Classification Sherloc (09022015). Collection method: clinical testing. Allele origin: germline.
Comment: This sequence change replaces threonine, which is neutral and polar, with alanine, which is neutral and non-polar, at codon 2858 of the ATM protein (p.Thr2858Ala). This variant is present in population databases (rs749193688, gnomAD 0.009%). This variant has not been reported in the literature in individuals affected with ATM-related conditions. ClinVar contains an entry for this variant (Variation ID: 453732). Invitae Evidence Modeling of protein sequence and biophysical properties (such as structural, functional, and spatial information, amino acid conservation, physicochemical variation, residue mobility, and thermodynamic stability) has been performed for this missense variant. However, the output from this modeling did not meet the statistical confidence thresholds required to predict the impact of this variant on ATM protein function. In summary, the available evidence is currently insufficient to determine the role of this variant in disease. Therefore, it has been classified as a Variant of Uncertain Significance.

Ambry Genetics
Classification: Uncertain significance for Hereditary cancer-predisposing syndrome. Last evaluated: 2025-07-29. Review status: criteria provided, single submitter. Criteria: Ambry Variant Classification Scheme 2023. Collection method: clinical testing. Allele origin: germline.
Comment: The p.T2858A variant (also known as c.8572A>G), located in coding exon 57 of the ATM gene, results from an A to G substitution at nucleotide position 8572. The threonine at codon 2858 is replaced by alanine, an amino acid with similar properties. This amino acid position is highly conserved in available vertebrate species. In addition, the in silico prediction for this alteration is inconclusive. Based on the available evidence, the clinical significance of this variant remains unclear.

Mayo Clinic Laboratories, Mayo Clinic
Classification: Uncertain significance. Last evaluated: 2025-02-25. Review status: criteria provided, single submitter. Criteria: ACMG Guidelines, 2015. Collection method: clinical testing. Allele origin: germline. Observed: 1 variant allele.
Comment: PM2_supporting

Fulgent Genetics
Classification: Uncertain significance for Familial cancer of breast; Ataxia-telangiectasia syndrome. Last evaluated: 2024-05-26. Review status: criteria provided, single submitter. Criteria: ACMG Guidelines, 2015. Collection method: clinical testing. Allele origin: germline.

Molecular Pathology, Peter Maccallum Cancer Centre
Classification: Uncertain significance for Ataxia-telangiectasia syndrome. Last evaluated: 2024-04-04. Review status: criteria provided, single submitter. Criteria: ACMG Guidelines, 2015. Collection method: clinical testing. Allele origin: germline. Inheritance: Autosomal recessive inheritance.

Color Diagnostics, LLC DBA Color Health
Classification: Uncertain significance for Hereditary cancer-predisposing syndrome. Last evaluated: 2023-10-31. Review status: criteria provided, single submitter. Criteria: ACMG Guidelines, 2015. Collection method: clinical testing. Allele origin: germline.
Comment: This missense variant replaces threonine with alanine at codon 2858 of the ATM protein. Computational prediction is inconclusive regarding the impact of this variant on protein structure and function (internally defined REVEL score threshold 0.5 < inconclusive < 0.7, PMID: 27666373). To our knowledge, functional studies have not been reported for this variant. This variant has not been reported in individuals affected with ATM-related disorders in the literature. This variant has been identified in 3/251054 chromosomes in the general population by the Genome Aggregation Database (gnomAD). The available evidence is insufficient to determine the role of this variant in disease conclusively. Therefore, this variant is classified as a Variant of Uncertain Significance.

GeneDx
Classification: Uncertain significance. Last evaluated: 2022-12-09. Review status: criteria provided, single submitter. Criteria: GeneDx Variant Classification Process June 2021. Collection method: clinical testing. Allele origin: germline. Affected: yes.
Comment: Not observed at significant frequency in large population cohorts (gnomAD); In silico analysis supports that this missense variant has a deleterious effect on protein structure/function; Has not been previously published as pathogenic or benign to our knowledge; This variant is associated with the following publications: (PMID: 29338072, 23532176, 15279808)

Natera, Inc.
Classification: Uncertain significance for Ataxia-telangiectasia. Last evaluated: 2021-09-29. Review status: no assertion criteria provided. Collection method: clinical testing. Allele origin: germline. Not counted in ClinVar's aggregate classification.

NM_000051.4(ATM):c.8572A>G (p.Thr2858Ala)

Genes: C11orf65 (chromosome 11 open reading frame 65; minus strand), ATM (ATM serine/threonine kinase; plus strand). Cytogenetic location: 11q22.3.
Variant type: single nucleotide variant.
Coding change: c.8572A>G on transcript NM_000051.4 (MANE Select); coding-DNA position 8572, A replaced by G.
Protein change: p.Thr2858Ala; replaces threonine 2858 with alanine.
Molecular consequence: missense variant. On other transcripts: intron variant (2).
Genome position (GRCh38, 1-based): chr11:108,345,896, A>G. VCF-style: chr11-108345896-A-G. GRCh37 (hg19) VCF-style: chr11-108216623-A-G.
Other names: p.Thr2858Ala; c.8572A>G, p.Thr2858Ala (NM_001351834.2); c.641-36825T>C (NM_001330368.2); c.695-10604T>C (NM_001351110.2); short protein forms T2858A.
Identifiers: ClinVar variation 453732 (VCV000453732.31), dbSNP rs749193688, ClinGen allele CA6266382.
Genomic context (GRCh38, chr11:108,345,896, plus strand): 5'-AAATTCTTGGATCCAGCTATTTGGTTTGAGAAGCGATTGGCTTATACGCGCAGTGTAGCT[A>G]CTTCTTCTATTGGTAATCTTCTTGTACATATAGTAGATTGAGCACTTTGTTGTTTGGCAG-3'
Protein context (NP_000042.3, residues 2848-2868): KRLAYTRSVA[Thr2858Ala]SSIVGYILGL